The following is an entry in ClinVar:

ClinVar aggregate classification (germline): Uncertain significance (1 of 4 stars; one submission).

gnomAD v4.1: 17 of 1,614,206 alleles (0.0011%); highest among the groups gnomAD compares: Non-Finnish European, 0.0014%; no homozygotes.

Submission:

Labcorp Genetics (formerly Invitae), Labcorp
Classification: Uncertain significance. Last evaluated: 2025-12-20. Review status: criteria provided, single submitter. Criteria: Invitae Variant Classification Sherloc (09022015). Collection method: clinical testing. Allele origin: germline.
Comment: This sequence change replaces valine, which is neutral and non-polar, with isoleucine, which is neutral and non-polar, at codon 454 of the VAV1 protein (p.Val454Ile). This variant is present in population databases (rs746012151, gnomAD 0.002%). This variant has not been reported in the literature in individuals affected with VAV1-related conditions. An algorithm developed to predict the effect of missense changes on protein structure and function outputs the following: PolyPhen-2: "Benign". The isoleucine amino acid residue is found in multiple mammalian species, which suggests that this missense change does not adversely affect protein function. In summary, the available evidence is currently insufficient to determine the role of this variant in disease. Therefore, it has been classified as a Variant of Uncertain Significance.

NM_005428.4(VAV1):c.1360G>A (p.Val454Ile)

Gene: VAV1 (vav guanine nucleotide exchange factor 1; plus strand). Cytogenetic location: 19p13.3.
Variant type: single nucleotide variant.
Coding change: c.1360G>A on transcript NM_005428.4 (MANE Select); coding-DNA position 1360, G replaced by A.
Protein change: p.Val454Ile; replaces valine 454 with isoleucine.
Molecular consequence: missense variant.
Genome position (GRCh38, 1-based): chr19:6,829,880, G>A. VCF-style: chr19-6829880-G-A. GRCh37 (hg19) VCF-style: chr19-6829891-G-A.
Other names: c.1360G>A, p.Val454Ile (NM_001258206.2); c.1264G>A, p.Val422Ile (NM_001258207.2); short protein forms V422I, V454I.
Identifiers: ClinVar variation 4697311 (VCV004697311.1).